The following is an entry in ClinVar:

NM_003579.4(RAD54L):c.622A>G (p.Lys208Glu)

Gene: RAD54L (RAD54 like; plus strand). Cytogenetic location: 1p34.1.
Variant type: single nucleotide variant.
Coding change: c.622A>G on transcript NM_003579.4 (MANE Select); coding-DNA position 622, A replaced by G.
Protein change: p.Lys208Glu; replaces lysine 208 with glutamic acid.
Molecular consequence: missense variant.
Genome position (GRCh38, 1-based): chr1:46,260,871, A>G. VCF-style: chr1-46260871-A-G. GRCh37 (hg19) VCF-style: chr1-46726543-A-G.
Other names: c.622A>G, p.Lys208Glu (NM_001142548.2); c.82A>G, p.Lys28Glu (NM_001370766.1); short protein forms K208E, K28E.
Identifiers: ClinVar variation 2562785 (VCV002562785.2), dbSNP rs973375797, ClinGen allele CA21906111.

ClinVar aggregate classification (germline): Uncertain significance (1 of 4 stars; one submission).

Submission:

Ambry Genetics
Classification: Uncertain significance. Last evaluated: 2023-03-25. Review status: criteria provided, single submitter. Criteria: Ambry Variant Classification Scheme 2023. Collection method: clinical testing. Allele origin: germline.
Comment: The p.K208E variant (also known as c.622A>G), located in coding exon 7 of the RAD54L gene, results from an A to G substitution at nucleotide position 622. The lysine at codon 208 is replaced by glutamic acid, an amino acid with similar properties. This amino acid position is conserved. In addition, the in silico prediction for this alteration is inconclusive. Since supporting evidence is limited at this time, the clinical significance of this alteration remains unclear.